The following is an entry in ClinVar:

NM_000492.4(CFTR):c.3340G>C (p.Val1114Leu)

Genes: CFTR (CF transmembrane conductance regulator; plus strand), CFTR-AS2 (CFTR antisense RNA 2; minus strand), LOC111674472 (DNase I hypersensitive sites in introns 16 and 17a of CFTR; plus strand). Cytogenetic location: 7q31.2.
Variant type: single nucleotide variant.
Coding change: c.3340G>C on transcript NM_000492.4 (MANE Select); coding-DNA position 3340, G replaced by C.
Protein change: p.Val1114Leu; replaces valine 1114 with leucine.
Molecular consequence: missense variant.
Genome position (GRCh38, 1-based): chr7:117,611,781, G>C. VCF-style: chr7-117611781-G-C. GRCh37 (hg19) VCF-style: chr7-117251835-G-C.
Other names: short protein forms V1114L.
Identifiers: ClinVar variation 2915068 (VCV002915068.3), dbSNP rs762831873, ClinGen allele CA164966814.
Genomic context (GRCh38, chr7:117,611,781, plus strand): 5'-TCAACACTGCGCTGGTTCCAAATGAGAATAGAAATGATTTTTGTCATCTTCTTCATTGCT[G>C]TTACCTTCATTTCCATTTTAACAACAGGTACTATGAACTCATTAACTTTAGCTAAGCATT-3'
Protein context (NP_000483.3, residues 1104-1124): EMIFVIFFIA[Val1114Leu]TFISILTTGE

ClinVar aggregate classification (germline): Uncertain significance. Review status: criteria provided, multiple submitters, no conflicts (2 of 4 stars). 2 submissions from 2 submitters: Uncertain significance (2). Last evaluated 2023-09-25.

Conditions:
Cystic fibrosis (CF). Also called: MUCOVISCIDOSIS. Identifiers: Orphanet 586, MedGen C0010674, MONDO:0009061, OMIM 219700. Disease mechanism: loss of function.

Allele frequency attached by ClinVar (database versions not stated): gnomAD 0.00001; TOPMed 0.00002.
gnomAD v4.1: 58 of 1,612,174 alleles (0.0036%); highest among the groups gnomAD compares: Non-Finnish European, 0.0048%; no homozygotes.

Submissions (2):

Labcorp Genetics (formerly Invitae), Labcorp
Classification: Uncertain significance for Cystic fibrosis. Last evaluated: 2023-09-25. Review status: criteria provided, single submitter. Criteria: Invitae Variant Classification Sherloc (09022015). Collection method: clinical testing. Allele origin: germline.
Comment: This sequence change replaces valine, which is neutral and non-polar, with leucine, which is neutral and non-polar, at codon 1114 of the CFTR protein (p.Val1114Leu). This variant is present in population databases (rs762831873, gnomAD 0.0009%). This variant has not been reported in the literature in individuals affected with CFTR-related conditions. Advanced modeling of protein sequence and biophysical properties (such as structural, functional, and spatial information, amino acid conservation, physicochemical variation, residue mobility, and thermodynamic stability) has been performed at Invitae for this missense variant, however the output from this modeling did not meet the statistical confidence thresholds required to predict the impact of this variant on CFTR protein function. In summary, the available evidence is currently insufficient to determine the role of this variant in disease. Therefore, it has been classified as a Variant of Uncertain Significance.

Ambry Genetics
Classification: Uncertain significance for Cystic fibrosis. Last evaluated: 2023-09-15. Review status: criteria provided, single submitter. Criteria: Ambry Variant Classification Scheme 2023. Collection method: clinical testing. Allele origin: germline.
Comment: The p.V1114L variant (also known as c.3340G>C), located in coding exon 20 of the CFTR gene, results from a G to C substitution at nucleotide position 3340. The valine at codon 1114 is replaced by leucine, an amino acid with highly similar properties. This amino acid position is well conserved in available vertebrate species. In addition, the in silico prediction for this alteration is inconclusive. Since supporting evidence is limited at this time, the clinical significance of this alteration remains unclear.